The following is an entry in ClinVar:

NM_000179.3(MSH6):c.1272C>G (p.Val424=)

Gene: MSH6 (mutS homolog 6; plus strand). Cytogenetic location: 2p16.3.
Variant type: single nucleotide variant.
Coding change: c.1272C>G on transcript NM_000179.3 (MANE Select); coding-DNA position 1272, C replaced by G.
Protein change: p.Val424=; no amino-acid change (valine 424 retained).
Molecular consequence: synonymous variant.
Genome position (GRCh38, 1-based): chr2:47,799,255, C>G. VCF-style: chr2-47799255-C-G. GRCh37 (hg19) VCF-style: chr2-48026394-C-G.
Other names: c.882C>G, p.Val294= (NM_001281492.2); c.366C>G, p.Val122= (NM_001281493.2, NM_001281494.2).
Identifiers: ClinVar variation 89182 (VCV000089182.16), dbSNP rs63751452, ClinGen allele CA008403.

ClinVar aggregate classification (germline): Benign/Likely benign. Review status: criteria provided, multiple submitters, no conflicts (2 of 4 stars). 3 submissions from 3 submitters: Benign (1); Likely benign (2). Last evaluated 2025-10-20.

Conditions:
Hereditary cancer-predisposing syndrome. Also called: Tumor predisposition; Hereditary Cancer Syndrome; Hereditary neoplastic syndrome; Neoplastic Syndromes, Hereditary. Identifiers: Orphanet 140162, MedGen C0027672, MeSH D009386, MONDO:0015356.
Hereditary nonpolyposis colorectal neoplasms. Identifiers: MedGen C0009405, MeSH D003123.
Lynch syndrome 5 (LYNCH5). Also called: Colorectal cancer, hereditary nonpolyposis, type 5; Hereditary non-polyposis colorectal cancer, type 5. Identifiers: Orphanet 144, MedGen C1833477, MONDO:0013710, OMIM 614350. Disease mechanism: loss of function.

Allele frequency attached by ClinVar (database versions not stated): gnomAD exomes below 0.00001; gnomAD 0.00001.
gnomAD v4.1: 3 of 1,613,936 alleles (0.00019%); highest among the groups gnomAD compares: Non-Finnish European, 0.00025%; no homozygotes.

Submissions (3):

Labcorp Genetics (formerly Invitae), Labcorp
Classification: Likely benign for Hereditary nonpolyposis colorectal neoplasms. Last evaluated: 2025-10-20. Review status: criteria provided, single submitter. Criteria: Invitae Variant Classification Sherloc (09022015). Collection method: clinical testing. Allele origin: germline.

Myriad Genetics, Inc.
Classification: Benign for Lynch syndrome 5. Last evaluated: 2024-12-23. Review status: criteria provided, single submitter. Criteria: Myriad Autosomal Dominant, Autosomal Recessive and X-Linked Classification Criteria (2023). Collection method: clinical testing. Allele origin: unknown.
Comment: This variant is considered benign. This variant is a silent/synonymous amino acid change and it is not expected to impact splicing.

Ambry Genetics
Classification: Likely benign for Hereditary cancer-predisposing syndrome. Last evaluated: 2018-07-26. Review status: criteria provided, single submitter. Criteria: Ambry Variant Classification Scheme 2023. Collection method: clinical testing. Allele origin: germline.